The following is an entry in ClinVar:

ClinVar aggregate classification (germline): Conflicting classifications of pathogenicity. Review status: criteria provided, conflicting classifications (1 of 4 stars). 2 submissions from 2 submitters: Likely pathogenic (1); Uncertain significance (1). Last evaluated 2025-08-19.

Conditions:
BEST1-related disorder. Also called: BEST1-related disorders; BEST1-related condition. Identifiers: MedGen CN239200.

Submissions (2):

Labcorp Genetics (formerly Invitae), Labcorp
Classification: Uncertain significance. Last evaluated: 2025-08-19. Review status: criteria provided, single submitter. Criteria: Invitae Variant Classification Sherloc (09022015). Collection method: clinical testing. Allele origin: germline.
Comment: This sequence change replaces tyrosine, which is neutral and polar, with aspartic acid, which is acidic and polar, at codon 72 of the BEST1 protein (p.Tyr72Asp). This variant is not present in population databases (gnomAD no frequency). This missense change has been observed in individual(s) with vitelliform macular dystrophy (PMID: 21273940). ClinVar contains an entry for this variant (Variation ID: 837730). Invitae Evidence Modeling of protein sequence and biophysical properties (such as structural, functional, and spatial information, amino acid conservation, physicochemical variation, residue mobility, and thermodynamic stability) indicates that this missense variant is expected to disrupt BEST1 protein function with a positive predictive value of 95%. This variant disrupts the p.Tyr72 amino acid residue in BEST1. Other variant(s) that disrupt this residue have been observed in individuals with BEST1-related conditions (PMID: 33608557), which suggests that this may be a clinically significant amino acid residue. In summary, the available evidence is currently insufficient to determine the role of this variant in disease. Therefore, it has been classified as a Variant of Uncertain Significance.

Blueprint Genetics
Classification: Likely pathogenic for BEST1-related disorders. Last evaluated: 2021-08-06. Review status: criteria provided, single submitter. Criteria: ACMG Guidelines, 2015. Collection method: clinical testing. Allele origin: germline. Affected: yes. Observed: 1 variant allele.

Literature cited by the submitters: PubMed 21273940 (cited by Labcorp Genetics (formerly Invitae), Labcorp); PubMed 33608557 (cited by Labcorp Genetics (formerly Invitae), Labcorp).

NM_004183.4(BEST1):c.214T>G (p.Tyr72Asp)

Gene: BEST1 (bestrophin 1; plus strand). Cytogenetic location: 11q12.3.
Variant type: single nucleotide variant.
Coding change: c.214T>G on transcript NM_004183.4 (MANE Select); coding-DNA position 214, T replaced by G.
Protein change: p.Tyr72Asp; replaces tyrosine 72 with aspartic acid.
Molecular consequence: missense variant. On other transcripts: non-coding transcript variant (1).
Genome position (GRCh38, 1-based): chr11:61,955,168, T>G. VCF-style: chr11-61955168-T-G. GRCh37 (hg19) VCF-style: chr11-61722640-T-G.
Other names: c.34T>G, p.Tyr12Asp (NM_001139443.3, NM_001300786.2, NM_001300787.2); c.214T>G, p.Tyr72Asp (NM_001363592.2); short protein forms Y72D, Y12D.
Identifiers: ClinVar variation 837730 (VCV000837730.10), dbSNP rs1941150173, ClinGen allele CA380833729.